The following is an entry in ClinVar:

ClinVar aggregate classification (germline): Pathogenic (1 of 4 stars; one submission).

Conditions:
Multiple congenital exostosis (EXT). Also called: Hereditary multiple osteochondromas; MULTIPLE CARTILAGINOUS EXOSTOSES; Hereditary multiple exostoses; Hereditary multiple exostosis; Multiple osteochondromas; Multiple exostoses. Identifiers: Orphanet 321, MedGen C0015306, MONDO:0005508, HP:0002762.

Submission:

Labcorp Genetics (formerly Invitae), Labcorp
Classification: Pathogenic for Multiple congenital exostosis. Last evaluated: 2023-11-18. Review status: criteria provided, single submitter. Criteria: Invitae Variant Classification Sherloc (09022015). Collection method: clinical testing. Allele origin: germline.
Comment: This sequence change creates a premature translational stop signal (p.Gly607Ilefs*46) in the EXT1 gene. It is expected to result in an absent or disrupted protein product. Loss-of-function variants in EXT1 are known to be pathogenic (PMID: 10679937, 11391482, 19810120). This variant is not present in population databases (gnomAD no frequency). This variant has not been reported in the literature in individuals affected with EXT1-related conditions. For these reasons, this variant has been classified as Pathogenic.

Literature cited by the submitters: PubMed 10679937; PubMed 11391482; PubMed 19810120.

NM_000127.3(EXT1):c.1819_1820del (p.Gly607fs)

Gene: EXT1 (exostosin glycosyltransferase 1; minus strand). Cytogenetic location: 8q24.11.
Variant type: Deletion.
Coding change: c.1819_1820del on transcript NM_000127.3 (MANE Select); coding-DNA positions 1819 to 1820, 2 bases deleted (GG; older notation c.1819_1820delGG).
Protein change: p.Gly607fs; shifts the reading frame from glycine 607.
Molecular consequence: frameshift variant.
Genome position (GRCh38, 1-based): chr8:117,807,280-117,807,281, CC deleted on the plus strand (GG on the coding strand, the reverse complement: EXT1 is on the minus strand); deleting any 2 consecutive bases within chr8:117,807,280-117,807,283 gives the same sequence; the c. name uses the placement nearest the transcript's 3' end. VCF-style (leftmost placement, unchanged base first): chr8-117807279-TCC-T. GRCh37 (hg19) VCF-style: chr8-118819518-TCC-T.
Other names: short protein forms G607fs.
Identifiers: ClinVar variation 2696975 (VCV002696975.3), dbSNP rs2488089211, ClinGen allele CA2697550116.
Genomic context (GRCh38, chr8:117,807,279, plus strand): 5'-GTGGTAAATAGCAGCTCCTGTCAACACCATGGAGTAGTCGTTCGTCCACTTTGATGTGTA[TCC>T]CCACCGCTCCTTAGAGTTATCCCAGAAGTGGCTGCGCGCGGGGTACCCCACAATCCTCTC-3'